The following is an entry in ClinVar:

ClinVar aggregate classification (germline): Pathogenic (1 of 4 stars; one submission).

Conditions:
Propionic acidemia (PROP). Also called: GLYCINEMIA, KETOTIC; HYPERGLYCINEMIA WITH KETOACIDOSIS AND LEUKOPENIA; KETOTIC HYPERGLYCINEMIA. Identifiers: Orphanet 35, MedGen C0268579, MONDO:0011628, OMIM 606054, HP:0003571.

Submission:

Labcorp Genetics (formerly Invitae), Labcorp
Classification: Pathogenic for Propionic acidemia. Last evaluated: 2019-09-01. Review status: criteria provided, single submitter. Criteria: Invitae Variant Classification Sherloc (09022015). Collection method: clinical testing. Allele origin: germline.
Comment: For these reasons, this variant has been classified as Pathogenic. Loss-of-function variants in PCCB are known to be pathogenic (PMID: 15464417). This variant has not been reported in the literature in individuals with PCCB-related conditions. This variant is not present in population databases (ExAC no frequency). This sequence change creates a premature translational stop signal (p.Ile141Argfs*10) in the PCCB gene. It is expected to result in an absent or disrupted protein product.

Literature cited by the submitters: PubMed 15464417.

NM_000532.5(PCCB):c.420_421dup (p.Ile141fs)

Gene: PCCB (propionyl-CoA carboxylase subunit beta; plus strand). Cytogenetic location: 3q22.3.
Variant type: Duplication.
Coding change: c.420_421dup on transcript NM_000532.5 (MANE Select); coding-DNA positions 420 to 421, 2 bases duplicated (GA; older notation c.420_421dupGA).
Protein change: p.Ile141fs; shifts the reading frame from isoleucine 141.
Molecular consequence: frameshift variant.
Genome position (GRCh38, 1-based): chr3:136,260,526-136,260,527, GA duplicated; duplicating any 2 consecutive bases within chr3:136,260,525-136,260,527 gives the same sequence; the c. name uses the placement nearest the transcript's 3' end. VCF-style (leftmost placement, unchanged base first): chr3-136260524-A-AAG. GRCh37 (hg19) VCF-style: chr3-135979366-A-AAG.
Other names: c.480_481dup, p.Ile161fs (NM_001178014.2); short protein forms I161fs, I141fs.
Identifiers: ClinVar variation 941018 (VCV000941018.7), dbSNP rs1941792521, ClinGen allele CA1139658278.